The following is an entry in ClinVar:

ClinVar aggregate classification (germline): Conflicting classifications of pathogenicity. Review status: criteria provided, conflicting classifications (1 of 4 stars). 5 submissions from 5 submitters: Uncertain significance (4); Likely benign (1). Last evaluated 2026-02-09.

Conditions:
Cardiomyopathy (CMYO). Also called: Cardiomyopathies. Identifiers: Orphanet 167848, MedGen C0878544, MONDO:0004994, HP:0001638. Inheritance: Various modes of inheritance.
Arrhythmogenic cardiomyopathy with wooly hair and keratoderma. Also called: Carvajal syndrome; Dilated cardiomyopathy with woolly hair and keratoderma; Arrhythmogenic cardiomyopathy with woolly hair and keratoderma; PALMOPLANTAR KERATODERMA WITH LEFT VENTRICULAR CARDIOMYOPATHY AND WOOLLY HAIR. Identifiers: Orphanet 65282, MedGen C1854063, MONDO:0011581, OMIM 605676.
Arrhythmogenic right ventricular dysplasia 8 (ARVD8). Also called: Arrhythmogenic Right Ventricular Dysplasia/Cardiomyopathy 8; ARRHYTHMOGENIC RIGHT VENTRICULAR DYSPLASIA, FAMILIAL, 8; ARRHYTHMOGENIC RIGHT VENTRICULAR CARDIOMYOPATHY 8. Identifiers: MedGen C1843896, MONDO:0011831, OMIM 607450.

Allele frequency attached by ClinVar (database versions not stated): ExAC 0.00006.
gnomAD v4.1: 9 of 1,606,434 alleles (0.00056%); highest among the groups gnomAD compares: Admixed American, 0.0067%; no homozygotes.

Submissions (5):

Women's Health and Genetics/Laboratory Corporation of America, LabCorp
Classification: Uncertain significance. Last evaluated: 2026-02-09. Review status: criteria provided, single submitter. Criteria: LabCorp Variant Classification Summary - May 2015. Collection method: clinical testing. Allele origin: germline.
Comment: Variant summary: DSP c.55C>T (p.Arg19Cys) results in a non-conservative amino acid change in the encoded protein sequence. Algorithms developed to predict the effect of missense changes on protein structure and function are either unavailable or do not agree on the potential impact of this missense change. The variant allele was found at a frequency of 2.7e-05 in 225776 control chromosomes. The available data on variant occurrences in the general population are insufficient to allow any conclusion about variant significance. To our knowledge, no occurrence of c.55C>T in individuals affected with DSP-related conditions and no experimental evidence demonstrating its impact on protein function have been reported. ClinVar contains an entry for this variant (Variation ID: 222570). Based on the evidence outlined above, the variant was classified as uncertain significance.

Labcorp Genetics (formerly Invitae), Labcorp
Classification: Likely benign for Arrhythmogenic cardiomyopathy with wooly hair and keratoderma; Arrhythmogenic right ventricular dysplasia 8. Last evaluated: 2024-07-30. Review status: criteria provided, single submitter. Criteria: Invitae Variant Classification Sherloc (09022015). Collection method: clinical testing. Allele origin: germline.

Blueprint Genetics
Classification: Uncertain significance. Last evaluated: 2024-04-24. Review status: criteria provided, single submitter. Criteria: ACMG Guidelines, 2015. Collection method: clinical testing. Allele origin: germline.

Color Diagnostics, LLC DBA Color Health
Classification: Uncertain significance for Cardiomyopathy. Last evaluated: 2024-03-06. Review status: criteria provided, single submitter. Criteria: ACMG Guidelines, 2015. Collection method: clinical testing. Allele origin: germline.
Comment: This missense variant replaces arginine with cysteine at codon 19 of the DSP protein. Computational prediction suggests that this variant may not impact protein structure and function (internally defined REVEL score threshold <= 0.5, PMID: 27666373). To our knowledge, functional studies have not been reported for this variant. This variant has not been reported in individuals affected with DSP-related disorders in the literature. This variant has been identified in 6/225776 chromosomes in the general population by the Genome Aggregation Database (gnomAD). The available evidence is insufficient to determine the role of this variant in disease conclusively. Therefore, this variant is classified as a Variant of Uncertain Significance.

All of Us Research Program, National Institutes of Health
Classification: Uncertain significance for Arrhythmogenic cardiomyopathy with wooly hair and keratoderma. Last evaluated: 2023-07-19. Review status: criteria provided, single submitter. Criteria: ACMG Guidelines, 2015. Collection method: clinical testing. Allele origin: germline. Inheritance: Autosomal dominant inheritance. Observed: 2 variant alleles, 2 heterozygotes.
Comment: This missense variant replaces arginine with cysteine at codon 19 of the DSP protein. Computational prediction suggests that this variant may not impact protein structure and function (internally defined REVEL score threshold <= 0.5, PMID: 27666373). To our knowledge, functional studies have not been reported for this variant. This variant has not been reported in individuals affected with DSP-related disorders in the literature. This variant has been identified in 6/225776 chromosomes in the general population by the Genome Aggregation Database (gnomAD). The available evidence is insufficient to determine the role of this variant in disease conclusively. Therefore, this variant is classified as a Variant of Uncertain Significance.

This study involves interpretation of variants in research participants for the purpose of population health screening. Participant phenotype was not available at the time of variant classification. Additional details can be found in publication PMID: 35346344, PMCID: PMC8962531

NM_004415.4(DSP):c.55C>T (p.Arg19Cys)

Genes: DSP (desmoplakin; plus strand), DSP-AS1 (DSP antisense RNA 1; minus strand). Cytogenetic location: 6p24.3.
Variant type: single nucleotide variant.
Coding change: c.55C>T on transcript NM_004415.4 (MANE Select); coding-DNA position 55, C replaced by T.
Protein change: p.Arg19Cys; replaces arginine 19 with cysteine.
Molecular consequence: missense variant.
Genome position (GRCh38, 1-based): chr6:7,541,970, C>T. VCF-style: chr6-7541970-C-T. GRCh37 (hg19) VCF-style: chr6-7542203-C-T.
Other names: c.55C>T, p.Arg19Cys (NM_001008844.3, NM_001319034.2); c.55C>T (LRG_423t1); short protein forms R19C.
Identifiers: ClinVar variation 222570 (VCV000222570.11), dbSNP rs777340009, ClinGen allele CA045323.